The following is an entry in ClinVar:

NM_004004.6(GJB2):c.34G>C (p.Gly12Arg)

Gene: GJB2 (gap junction protein beta 2; minus strand). Cytogenetic location: 13q12.11.
Variant type: single nucleotide variant.
Coding change: c.34G>C on transcript NM_004004.6 (MANE Select); coding-DNA position 34, G replaced by C.
Protein change: p.Gly12Arg; replaces glycine 12 with arginine.
Molecular consequence: missense variant.
Genome position (GRCh38, 1-based): chr13:20,189,548, C>G on the plus strand (G>C on the coding strand, the complement: GJB2 is on the minus strand). VCF-style: chr13-20189548-C-G. GRCh37 (hg19) VCF-style: chr13-20763687-C-G.
Other names: c.34G>C (NM_004004.5); short protein forms G12R.
Identifiers: ClinVar variation 17021 (VCV000017021.3), dbSNP rs104894408, ClinGen allele CA127028.

ClinVar aggregate classification (germline): Likely pathogenic. Review status: criteria provided, single submitter (1 of 4 stars). 2 submissions from 2 submitters: Likely pathogenic (1). 1 of the submissions does not count toward it. Last evaluated 2025-07-17.

Conditions:
Autosomal dominant keratitis-ichthyosis-hearing loss syndrome. Also called: HID SYNDROME; KID SYNDROME, AUTOSOMAL DOMINANT; Senter syndrome. Identifiers: Orphanet 477, MedGen C0265336, MONDO:0007850, OMIM 148210.
Autosomal recessive nonsyndromic hearing loss 1A (DFNB1A). Also called: Deafness, autosomal recessive 1A; GJB2-Related Autosomal Recessive Nonsyndromic Hearing Loss; GJB6-Related DFNB 1 Nonsyndromic Hearing Loss and Deafness; Nonsyndromic Hearing Loss and Deafness, DFNB1; Connexin 26 deafness; Deafness nonsyndromic, Connexin 26 linked. Identifiers: Orphanet 90636, MedGen C2673759, MONDO:0009076, OMIM 220290.

Submissions (2):

Natera, Inc.
Classification: Likely pathogenic for Autosomal recessive deafness type 1A. Last evaluated: 2025-07-17. Review status: criteria provided, single submitter. Criteria: Natera Variant Classification Schema (03/2026). Collection method: clinical testing. Allele origin: germline.
Comment: The c.34G>C variant in GJB2 is a missense variant predicted to cause substitution of glycine to arginine at amino acid 12. This variant is rare in the general population with a frequency below the threshold expected for the associated phenotype(s). This variant has been observed in affected individual(s) with monoallelic occurrence (heterozygous/hemizygous) (PMID: 11912510, 19785089, 22011219). A different variant at the same position has been determined to be Pathogenic or Likely Pathogenic. Computational prediction algorithms indicate this variant is likely to affect gene or protein function. Given the available evidence, this variant is classified as Likely Pathogenic.

OMIM
Classification: Pathogenic for KERATITIS-ICHTHYOSIS-DEAFNESS SYNDROME, AUTOSOMAL DOMINANT. Last evaluated: 2002-05-01. Review status: no assertion criteria provided. Collection method: literature only. Allele origin: germline. Not counted in ClinVar's aggregate classification.

Literature cited by the submitters: PubMed 11912510 (cited by Natera, Inc. and OMIM); PubMed 19785089 (cited by Natera, Inc.); PubMed 22011219 (cited by Natera, Inc.).